The following is an entry in ClinVar:

ClinVar aggregate classification (germline): Uncertain significance. Review status: criteria provided, multiple submitters, no conflicts (2 of 4 stars). 3 submissions from 3 submitters: Uncertain significance (3). Last evaluated 2025-02-15.

Conditions:
Inborn genetic diseases. Identifiers: MedGen C0950123, MeSH D030342.
Dyskeratosis congenita, autosomal recessive 5 (DKCB5). Identifiers: MedGen C3554656, MONDO:0014076, OMIM 615190.
Pulmonary fibrosis and/or bone marrow failure, Telomere-related, 3. Also called: PULMONARY FIBROSIS AND/OR BONE MARROW FAILURE SYNDROME, TELOMERE-RELATED, 3. Identifiers: Orphanet 2032, MedGen C4225346, MONDO:0014613, OMIM 616373.

Allele frequency attached by ClinVar (database versions not stated): gnomAD exomes below 0.00001; TOPMed below 0.00001; ESP Exome Variant Server 0.00008.
gnomAD v4.1: 6 of 1,613,986 alleles (0.00037%); highest among the groups gnomAD compares: South Asian, 0.0011%; no homozygotes.

Submissions (3):

Ambry Genetics
Classification: Uncertain significance for Inborn genetic diseases. Last evaluated: 2025-02-15. Review status: criteria provided, single submitter. Criteria: Ambry Variant Classification Scheme 2023. Collection method: clinical testing. Allele origin: germline.
Comment: The p.T104M variant (also known as c.311C>T), located in coding exon 3 of the RTEL1 gene, results from a C to T substitution at nucleotide position 311. The threonine at codon 104 is replaced by methionine, an amino acid with similar properties. This amino acid position is conserved. In addition, this alteration is predicted to be tolerated by in silico analysis. Based on the available evidence, the clinical significance of this variant remains unclear.

Labcorp Genetics (formerly Invitae), Labcorp
Classification: Uncertain significance for Dyskeratosis congenita, autosomal recessive 5; Pulmonary fibrosis and/or bone marrow failure, Telomere-related, 3. Last evaluated: 2024-10-29. Review status: criteria provided, single submitter. Criteria: Invitae Variant Classification Sherloc (09022015). Collection method: clinical testing. Allele origin: germline.
Comment: This sequence change replaces threonine, which is neutral and polar, with methionine, which is neutral and non-polar, at codon 104 of the RTEL1 protein (p.Thr104Met). This variant is present in population databases (rs367809459, gnomAD 0.0009%). This variant has not been reported in the literature in individuals affected with RTEL1-related conditions. ClinVar contains an entry for this variant (Variation ID: 1337979). An algorithm developed to predict the effect of missense changes on protein structure and function outputs the following: PolyPhen-2: "Benign". The methionine amino acid residue is found in multiple mammalian species, which suggests that this missense change does not adversely affect protein function. In summary, the available evidence is currently insufficient to determine the role of this variant in disease. Therefore, it has been classified as a Variant of Uncertain Significance.

Genetic Services Laboratory, University of Chicago
Classification: Uncertain significance. Last evaluated: 2021-06-18. Review status: criteria provided, single submitter. Criteria: ACMG Guidelines, 2015. Collection method: clinical testing. Allele origin: germline. Affected: no.
Comment: DNA sequence analysis of the RTEL1 gene (NM_001283009.2) demonstrated a sequence change, c.311C>T, in exon 4 that results in an amino acid change, p.Thr104Met. This sequence change has been described in the gnomAD database with frequency of 0.0009% in the non-Finnish European subpopulation (dbSNP rs367809459). The p.Thr104Met change affects a moderately conserved amino acid residue located in a domain of the RTEL1 protein that is known to be functional. In-silico pathogenicity prediction tools (SIFT, PolyPhen2, Align GVGD, REVEL) provide contradictory results for the p.Thr104Met substitution. This sequence change does not appear to have been previously described in patients with RTEL1-related disorders. Due to insufficient evidences and the lack of functional studies, the clinical significance of the p.Thr104Met change remains unknown at this time.

NM_001283009.2(RTEL1):c.311C>T (p.Thr104Met)

Genes: RTEL1 (regulator of telomere elongation helicase 1; plus strand), RTEL1-TNFRSF6B (RTEL1-TNFRSF6B readthrough (NMD candidate); plus strand). Cytogenetic location: 20q13.33.
Variant type: single nucleotide variant.
Coding change: c.311C>T on transcript NM_001283009.2 (MANE Select); coding-DNA position 311, C replaced by T.
Protein change: p.Thr104Met; replaces threonine 104 with methionine.
Molecular consequence: missense variant. On other transcripts: non-coding transcript variant (1), 5 prime UTR variant (1).
Genome position (GRCh38, 1-based): chr20:63,661,859, C>T. VCF-style: chr20-63661859-C-T. GRCh37 (hg19) VCF-style: chr20-62293212-C-T.
Other names: c.-359C>T (NM_001283010.1); c.311C>T, p.Thr104Met (NM_016434.4, NM_032957.5); short protein forms T104M.
Identifiers: ClinVar variation 1337979 (VCV001337979.7), dbSNP rs367809459, ClinGen allele CA317488962.
Genomic context (GRCh38, chr20:63,661,859, plus strand): 5'-GAGAACGTTGTCTGAGAACCGTGACTTCTGTGCTTGCTTGTGTCTGGTCAGCTTGCTACA[C>T]GGACATCCCAAAGATTATTTACGCCTCCAGGACCCACTCGCAACTCACACAGGTCATCAA-3'
Protein context (NP_001269938.1, residues 94-114): AAAGDPIACY[Thr104Met]DIPKIIYASR